The following is an entry in ClinVar:

ClinVar aggregate classification (germline): Uncertain significance (1 of 4 stars; one submission).

gnomAD v4.1: 5 of 1,613,422 alleles (0.00031%); highest among the groups gnomAD compares: East Asian, 0.0022%; no homozygotes.

Submission:

Labcorp Genetics (formerly Invitae), Labcorp
Classification: Uncertain significance. Last evaluated: 2024-07-27. Review status: criteria provided, single submitter. Criteria: Invitae Variant Classification Sherloc (09022015). Collection method: clinical testing. Allele origin: germline.
Comment: This sequence change replaces arginine, which is basic and polar, with tryptophan, which is neutral and slightly polar, at codon 171 of the PPP2R1A protein (p.Arg171Trp). The frequency data for this variant in the population databases is considered unreliable, as metrics indicate poor data quality at this position in the gnomAD database. This variant has not been reported in the literature in individuals affected with PPP2R1A-related conditions. Advanced modeling of protein sequence and biophysical properties (such as structural, functional, and spatial information, amino acid conservation, physicochemical variation, residue mobility, and thermodynamic stability) performed at Invitae indicates that this missense variant is expected to disrupt PPP2R1A protein function with a positive predictive value of 80%. In summary, the available evidence is currently insufficient to determine the role of this variant in disease. Therefore, it has been classified as a Variant of Uncertain Significance.

NM_014225.6(PPP2R1A):c.511C>T (p.Arg171Trp)

Gene: PPP2R1A (protein phosphatase 2 scaffold subunit Aalpha; plus strand). Cytogenetic location: 19q13.41.
Variant type: single nucleotide variant.
Coding change: c.511C>T on transcript NM_014225.6 (MANE Select); coding-DNA position 511, C replaced by T.
Protein change: p.Arg171Trp; replaces arginine 171 with tryptophan.
Molecular consequence: missense variant. On other transcripts: 5 prime UTR variant (1), non-coding transcript variant (1).
Genome position (GRCh38, 1-based): chr19:52,212,693, C>T. VCF-style: chr19-52212693-C-T. GRCh37 (hg19) VCF-style: chr19-52715946-C-T.
Other names: c.-27C>T (NM_001363656.2); short protein forms R171W.
Identifiers: ClinVar variation 3711762 (VCV003711762.2).